The following is an entry in ClinVar:

ClinVar aggregate classification (germline): Uncertain significance (1 of 4 stars; one submission).

Submission:

Labcorp Genetics (formerly Invitae), Labcorp
Classification: Uncertain significance. Last evaluated: 2025-03-14. Review status: criteria provided, single submitter. Criteria: Invitae Variant Classification Sherloc (09022015). Collection method: clinical testing. Allele origin: germline.
Comment: This sequence change replaces serine, which is neutral and polar, with proline, which is neutral and non-polar, at codon 161 of the DRP2 protein (p.Ser161Pro). This variant is not present in population databases (gnomAD no frequency). This variant has not been reported in the literature in individuals affected with DRP2-related conditions. Invitae Evidence Modeling of protein sequence and biophysical properties (such as structural, functional, and spatial information, amino acid conservation, physicochemical variation, residue mobility, and thermodynamic stability) indicates that this missense variant is not expected to disrupt DRP2 protein function with a negative predictive value of 80%. In summary, the available evidence is currently insufficient to determine the role of this variant in disease. Therefore, it has been classified as a Variant of Uncertain Significance.

NM_001939.3(DRP2):c.481T>C (p.Ser161Pro)

Gene: DRP2 (dystrophin related protein 2; plus strand). Cytogenetic location: Xq22.1.
Variant type: single nucleotide variant.
Coding change: c.481T>C on transcript NM_001939.3 (MANE Select); coding-DNA position 481, T replaced by C.
Protein change: p.Ser161Pro; replaces serine 161 with proline.
Molecular consequence: missense variant.
Genome position (GRCh38, 1-based): chrX:101,239,023, T>C. VCF-style: chrX-101239023-T-C. GRCh37 (hg19) VCF-style: chrX-100494012-T-C.
Other names: c.247T>C, p.Ser83Pro (NM_001171184.2); short protein forms S161P, S83P.
Identifiers: ClinVar variation 4743629 (VCV004743629.1).
Genomic context (GRCh38, chrX:101,239,023, plus strand): 5'-TATTGCTAAACTTTATAGGCCTTTATGGAAGAAGTCAAGTCTCGGGGCCCCTACATCTAT[T>C]CTGTGCTGGAGTCAGCTCAGGCCTTCCTGTCCCAGCACCCATTTGAGGAGTTAGAGGAGC-3'
Protein context (NP_001930.2, residues 151-171): EVKSRGPYIY[Ser161Pro]VLESAQAFLS